The following is an entry in ClinVar:

ClinVar aggregate classification (germline): Likely benign. Review status: criteria provided, multiple submitters, no conflicts (2 of 4 stars). 5 submissions from 5 submitters: Likely benign (4). 1 of the submissions does not count toward it. Last evaluated 2026-01-30.

Conditions:
Mucopolysaccharidosis type 1. Also called: Mucopolysaccharidosis Type I; IDUA deficiency; MPS I. Identifiers: Orphanet 579, MedGen C0023786, MONDO:0001586.
Inborn genetic diseases. Identifiers: MedGen C0950123, MeSH D030342.

Allele frequency attached by ClinVar (database versions not stated): ExAC below 0.00001; gnomAD exomes 0.00010; 1000 Genomes Project 30x 0.00219; 1000 Genomes Project 0.00280; gnomAD 0.00298; TOPMed 0.00307.
gnomAD v4.1: 747 of 1,454,064 alleles (0.051%); highest among the groups gnomAD compares: African/African-American, 1%; 3 homozygotes.

Submissions (5):

Labcorp Genetics (formerly Invitae), Labcorp
Classification: Likely benign for Mucopolysaccharidosis type 1. Last evaluated: 2026-01-30. Review status: criteria provided, single submitter. Criteria: Invitae Variant Classification Sherloc (09022015). Collection method: clinical testing. Allele origin: germline.

Mayo Clinic Laboratories, Mayo Clinic
Classification: Likely benign. Last evaluated: 2024-07-15. Review status: criteria provided, single submitter. Criteria: ACMG Guidelines, 2015. Collection method: clinical testing. Allele origin: germline. Observed: 5 variant alleles.
Comment: BS1, BP4, BP7

Ambry Genetics
Classification: Likely benign for Inborn genetic diseases. Last evaluated: 2024-07-01. Review status: criteria provided, single submitter. Criteria: Ambry Variant Classification Scheme 2023. Collection method: clinical testing. Allele origin: germline.

Blueprint Genetics
Classification: Likely benign. Last evaluated: 2024-06-05. Review status: criteria provided, single submitter. Criteria: ACMG Guidelines, 2015. Collection method: clinical testing. Allele origin: germline.

Natera, Inc.
Classification: Likely benign for Mucopolysaccharidosis type I. Last evaluated: 2017-05-06. Review status: no assertion criteria provided. Collection method: clinical testing. Allele origin: germline. Not counted in ClinVar's aggregate classification.

NM_000203.5(IDUA):c.1293C>T (p.Ala431=)

Gene: IDUA (alpha-L-iduronidase; plus strand). Cytogenetic location: 4p16.3.
Variant type: single nucleotide variant.
Coding change: c.1293C>T on transcript NM_000203.5 (MANE Select); coding-DNA position 1293, C replaced by T.
Protein change: p.Ala431=; no amino-acid change (alanine 431 retained).
Molecular consequence: synonymous variant. On other transcripts: non-coding transcript variant (1).
Genome position (GRCh38, 1-based): chr4:1,002,835, C>T. VCF-style: chr4-1002835-C-T. GRCh37 (hg19) VCF-style: chr4-996623-C-T.
Other names: p.Ala431=; c.897C>T, p.Ala299= (NM_001363576.1); c.1293C>T (NM_000203.3).
Identifiers: ClinVar variation 790797 (VCV000790797.18), dbSNP rs559676638, ClinGen allele CA2802228.